The following is an entry in ClinVar:

NM_004320.6(ATP2A1):c.2524+80T>C

Gene: ATP2A1 (ATPase sarcoplasmic/endoplasmic reticulum Ca2+ transporting 1; plus strand). Cytogenetic location: 16p11.2.
Variant type: single nucleotide variant.
Coding change: c.2524+80T>C on transcript NM_004320.6 (MANE Select); 80 bases into the intron after coding-DNA position 2524, T replaced by C.
Molecular consequence: intron variant.
Genome position (GRCh38, 1-based): chr16:28,902,466, T>C. VCF-style: chr16-28902466-T-C. GRCh37 (hg19) VCF-style: chr16-28913787-T-C.
Other names: c.2524+80T>C (NM_173201.5); c.2149+80T>C (NM_001286075.2).
Identifiers: ClinVar variation 678083 (VCV000678083.2), dbSNP rs7189927, ClinGen allele CA14217702.

ClinVar aggregate classification (germline): Benign. Review status: criteria provided, multiple submitters, no conflicts (2 of 4 stars). 2 submissions from 2 submitters: Benign (2). Last evaluated 2018-06-14.

Allele frequency attached by ClinVar (database versions not stated): gnomAD exomes 0.66240; gnomAD 0.68152 and 0.68598; TOPMed 0.68819; 1000 Genomes Project 30x 0.74703; 1000 Genomes Project 0.75260.
gnomAD v4.1: 1,045,546 of 1,570,416 alleles (67%); highest among the groups gnomAD compares: East Asian, 87%; 351,900 homozygotes.

Submissions (2):

GeneDx
Classification: Benign. Last evaluated: 2018-06-14. Review status: criteria provided, single submitter. Criteria: GeneDx Variant Classification (06012015). Collection method: clinical testing. Allele origin: germline. Affected: yes.
Comment: This variant is considered likely benign or benign based on one or more of the following criteria: it is a conservative change, it occurs at a poorly conserved position in the protein, it is predicted to be benign by multiple in silico algorithms, and/or has population frequency not consistent with disease.

Breakthrough Genomics
Classification: Benign. Review status: criteria provided, single submitter. Criteria: ACMG Guidelines, 2015. Collection method: not provided. Allele origin: germline. Inheritance: Autosomal recessive inheritance. Affected: yes.